The following is an entry in ClinVar:

NM_024876.4(COQ8B):c.271C>T (p.Arg91Cys)

Gene: COQ8B (coenzyme Q8B; minus strand). Cytogenetic location: 19q13.2.
Variant type: single nucleotide variant.
Coding change: c.271C>T on transcript NM_024876.4 (MANE Select); coding-DNA position 271, C replaced by T.
Protein change: p.Arg91Cys; replaces arginine 91 with cysteine.
Molecular consequence: missense variant.
Genome position (GRCh38, 1-based): chr19:40,714,085, G>A on the plus strand (C>T on the coding strand, the complement: COQ8B is on the minus strand). VCF-style: chr19-40714085-G-A. GRCh37 (hg19) VCF-style: chr19-41219990-G-A.
Other names: c.271C>T, p.Arg91Cys (NM_001142555.3); short protein forms R91C.
Identifiers: ClinVar variation 2444313 (VCV002444313.2), dbSNP rs754975339, ClinGen allele CA9450486.

ClinVar aggregate classification (germline): Likely pathogenic (1 of 4 stars; one submission).

Conditions:
Nephrotic syndrome, type 9 (NPHS9). Identifiers: Orphanet 656, MedGen C3809965, MONDO:0014257, OMIM 615573.

Allele frequency attached by ClinVar (database versions not stated): ExAC 0.00002.
gnomAD v4.1: 17 of 1,614,084 alleles (0.0011%); highest among the groups gnomAD compares: Non-Finnish European, 0.0014%; no homozygotes.

Submission:

3billion
Classification: Likely pathogenic for Nephrotic syndrome, type 9. Last evaluated: 2025-11-27. Review status: criteria provided, single submitter. Criteria: ACMG Guidelines, 2015. Collection method: clinical testing. Allele origin: germline. Affected: yes.
Comment: The variant is observed at an extremely low frequency in the gnomAD v4.1.0 dataset (total allele frequency: 0.001%). Predicted Consequence/Location: Missense variant In silico tool predictions suggest damaging effect of the variant on gene or gene product [REVEL: 0.84 (>=0.6, sensitivity 0.68 and specificity 0.92); 3Cnet: 0.75 (> 0.75, sensitivity 0.96 and precision 0.92)]. The same nucleotide change resulting in the same amino acid change has been previously reported to be associated with COQ8B-related disorder (ClinVar ID: VCV002444313 /PMID: 32957916 /3billion dataset). The variant has been reported to be in trans with a pathogenic variant as either compound heterozygous or homozygous in at least one similarly affected unrelated individual (PMID: 34172776). Therefore, this variant is classified as Likely pathogenic according to the recommendation of ACMG/AMP guideline.

Literature cited by the submitters: PubMed 34172776; PubMed 32957916.